The following is an entry in ClinVar:

ClinVar aggregate classification (germline): Uncertain significance (1 of 4 stars; one submission).

Conditions:
Rubinstein-Taybi syndrome due to EP300 haploinsufficiency. Also called: EP300-Related Rubinstein-Taybi Syndrome; RUBINSTEIN-TAYBI SYNDROME 2. Identifiers: Orphanet 353284, Orphanet 783, MedGen C3150941, MONDO:0013364, OMIM 613684.

gnomAD v4.1: 1 of 1,614,036 alleles (0.000062%); highest among the groups gnomAD compares: Non-Finnish European, 0.000085%; no homozygotes.

Submission:

Labcorp Genetics (formerly Invitae), Labcorp
Classification: Uncertain significance for Rubinstein-Taybi syndrome due to EP300 haploinsufficiency. Last evaluated: 2024-04-26. Review status: criteria provided, single submitter. Criteria: Invitae Variant Classification Sherloc (09022015). Collection method: clinical testing. Allele origin: germline.
Comment: This sequence change replaces asparagine, which is neutral and polar, with isoleucine, which is neutral and non-polar, at codon 953 of the EP300 protein (p.Asn953Ile). This variant is present in population databases (no rsID available, gnomAD 0.007%). This variant has not been reported in the literature in individuals affected with EP300-related conditions. Advanced modeling of protein sequence and biophysical properties (such as structural, functional, and spatial information, amino acid conservation, physicochemical variation, residue mobility, and thermodynamic stability) performed at Invitae indicates that this missense variant is not expected to disrupt EP300 protein function with a negative predictive value of 80%. In summary, the available evidence is currently insufficient to determine the role of this variant in disease. Therefore, it has been classified as a Variant of Uncertain Significance.

NM_001429.4(EP300):c.2858A>T (p.Asn953Ile)

Genes: EP300 (EP300 lysine acetyltransferase; plus strand), LOC126863158 (BRD4-independent group 4 enhancer GRCh37_chr22:41547383-41548582; plus strand). Cytogenetic location: 22q13.2.
Variant type: single nucleotide variant.
Coding change: c.2858A>T on transcript NM_001429.4 (MANE Select); coding-DNA position 2858, A replaced by T.
Protein change: p.Asn953Ile; replaces asparagine 953 with isoleucine.
Molecular consequence: missense variant.
Genome position (GRCh38, 1-based): chr22:41,151,873, A>T. VCF-style: chr22-41151873-A-T. GRCh37 (hg19) VCF-style: chr22-41547877-A-T.
Other names: c.2780A>T, p.Asn927Ile (NM_001362843.2); short protein forms N927I, N953I.
Identifiers: ClinVar variation 3643976 (VCV003643976.2).